The following is an entry in ClinVar:

NM_017491.5(WDR1):c.969C>A (p.Ile323=)

Gene: WDR1 (WD repeat domain 1; minus strand). Cytogenetic location: 4p16.1.
Variant type: single nucleotide variant.
Coding change: c.969C>A on transcript NM_017491.5 (MANE Select); coding-DNA position 969, C replaced by A.
Protein change: p.Ile323=; no amino-acid change (isoleucine 323 retained).
Molecular consequence: synonymous variant.
Genome position (GRCh38, 1-based): chr4:10,084,513, G>T on the plus strand (C>A on the coding strand, the complement: WDR1 is on the minus strand). VCF-style: chr4-10084513-G-T. GRCh37 (hg19) VCF-style: chr4-10086137-G-T.
Other names: c.549C>A, p.Ile183= (NM_005112.5); c.969C>A (NM_017491.3).
Identifiers: ClinVar variation 1594267 (VCV001594267.11), dbSNP rs149155795, ClinGen allele CA2857830.
Genomic context (GRCh38, chr4:10,084,513, plus strand): 5'-GTCGTGGCTCCCAGAGTAAATGTAGGACTTGCCGCCGTTTTTATGCACCGTCAGACACTG[G>T]ATCGATTTACTGTGACCCTGTGAAGGAGACACACTGGGCGGGTAAGCTGATGACACACTG-3'
Protein context (NP_059830.1, residues 313-333): LHVIKGHSKS[Ile323=]QCLTVHKNGG

ClinVar aggregate classification (germline): Benign/Likely benign. Review status: criteria provided, multiple submitters, no conflicts (2 of 4 stars). 3 submissions from 3 submitters: Benign (1); Likely benign (1). 1 of the submissions does not count toward it. Last evaluated 2025-08-07.

Conditions:
WDR1-related disorder. Also called: WDR1-related condition.

Allele frequency attached by ClinVar (database versions not stated): ExAC 0.00007; ESP Exome Variant Server 0.00008; gnomAD 0.00008 and 0.00009; gnomAD exomes 0.00009; TOPMed 0.00010; 1000 Genomes Project 30x 0.00016; 1000 Genomes Project 0.00020.
gnomAD v4.1: 257 of 1,613,900 alleles (0.016%); highest among the groups gnomAD compares: Non-Finnish European, 0.02%; no homozygotes.

Submissions (3):

Labcorp Genetics (formerly Invitae), Labcorp
Classification: Likely benign. Last evaluated: 2025-08-07. Review status: criteria provided, single submitter. Criteria: Invitae Variant Classification Sherloc (09022015). Collection method: clinical testing. Allele origin: germline.

Blueprint Genetics
Classification: Benign. Last evaluated: 2023-08-15. Review status: criteria provided, single submitter. Criteria: ACMG Guidelines, 2015. Collection method: clinical testing. Allele origin: germline.

PreventionGenetics, part of Exact Sciences
Classification: Likely benign for WDR1-related condition. Last evaluated: 2023-12-15. Review status: no assertion criteria provided. Collection method: clinical testing. Allele origin: germline. Not counted in ClinVar's aggregate classification.
Comment: This variant is classified as likely benign based on ACMG/AMP sequence variant interpretation guidelines (Richards et al. 2015 PMID: 25741868, with internal and published modifications).